The following is an entry in ClinVar:

NM_000391.4(TPP1):c.1399C>T (p.Pro467Ser)

Gene: TPP1 (tripeptidyl peptidase 1; minus strand). Cytogenetic location: 11p15.4.
Variant type: single nucleotide variant.
Coding change: c.1399C>T on transcript NM_000391.4 (MANE Select); coding-DNA position 1399, C replaced by T.
Protein change: p.Pro467Ser; replaces proline 467 with serine.
Molecular consequence: missense variant.
Genome position (GRCh38, 1-based): chr11:6,615,197, G>A on the plus strand (C>T on the coding strand, the complement: TPP1 is on the minus strand). VCF-style: chr11-6615197-G-A. GRCh37 (hg19) VCF-style: chr11-6636428-G-A.
Other names: short protein forms P467S.
Identifiers: ClinVar variation 1525617 (VCV001525617.3), dbSNP rs1463818673, ClinGen allele CA379472559.

ClinVar aggregate classification (germline): Uncertain significance (1 of 4 stars; one submission).

Submission:

Labcorp Genetics (formerly Invitae), Labcorp
Classification: Uncertain significance. Last evaluated: 2021-11-06. Review status: criteria provided, single submitter. Criteria: Invitae Variant Classification Sherloc (09022015). Collection method: clinical testing. Allele origin: germline.
Comment: This sequence change replaces proline, which is neutral and non-polar, with serine, which is neutral and polar, at codon 467 of the TPP1 protein (p.Pro467Ser). This variant is not present in population databases (gnomAD no frequency). This variant has not been reported in the literature in individuals affected with TPP1-related conditions. Advanced modeling of protein sequence and biophysical properties (such as structural, functional, and spatial information, amino acid conservation, physicochemical variation, residue mobility, and thermodynamic stability) performed at Invitae indicates that this missense variant is expected to disrupt TPP1 protein function. In summary, the available evidence is currently insufficient to determine the role of this variant in disease. Therefore, it has been classified as a Variant of Uncertain Significance.